The following is an entry in ClinVar:

ClinVar aggregate classification (germline): Uncertain significance (1 of 4 stars; one submission).

Conditions:
Hereditary cancer-predisposing syndrome. Also called: Hereditary neoplastic syndrome; Neoplastic Syndromes, Hereditary; Tumor predisposition; Hereditary Cancer Syndrome. Identifiers: Orphanet 140162, MedGen C0027672, MeSH D009386, MONDO:0015356.

Submission:

Ambry Genetics
Classification: Uncertain significance for Hereditary cancer-predisposing syndrome. Last evaluated: 2022-05-06. Review status: criteria provided, single submitter. Criteria: Ambry Variant Classification Scheme 2023. Collection method: clinical testing. Allele origin: germline.
Comment: The p.I27V variant (also known as c.79A>G), located in coding exon 1 of the CDKN2A (p14ARF) gene, results from an A to G substitution at nucleotide position 79. The isoleucine at codon 27 is replaced by valine, an amino acid with highly similar properties. This amino acid position is not well conserved in available vertebrate species. In addition, this alteration is predicted to be tolerated by in silico analysis. Since supporting evidence is limited at this time, the clinical significance of this alteration remains unclear.

NM_058195.4(CDKN2A):c.79A>G (p.Ile27Val)

Gene: CDKN2A (cyclin dependent kinase inhibitor 2A; minus strand). Cytogenetic location: 9p21.3.
Variant type: single nucleotide variant.
Coding change: c.79A>G on transcript NM_058195.4 (MANE Plus Clinical); coding-DNA position 79, A replaced by G.
Protein change: p.Ile27Val; replaces isoleucine 27 with valine.
Molecular consequence: missense variant. On other transcripts: intron variant (1).
Genome position (GRCh38, 1-based): chr9:21,994,253, T>C on the plus strand (A>G on the coding strand, the complement: CDKN2A is on the minus strand). VCF-style: chr9-21994253-T-C. GRCh37 (hg19) VCF-style: chr9-21994252-T-C.
Other names: c.-4+568A>G (NM_001363763.2); short protein forms I27V.
Identifiers: ClinVar variation 1761560 (VCV001761560.2), dbSNP rs1057517575, ClinGen allele CA373086986.
Genomic context (GRCh38, chr9:21,994,253, plus strand): 5'-GCACGAGGGCCACAGCGGCGGGCGCCCCTGGCGCTGCCCACTCCCCCGTGAGCCGCGGGA[T>C]GTGAACCACGAAAACCCTCACTCGCGGCGGGCCGCACGCGCGCCGAATCCGGAGGGTCAC-3'
Protein context (NP_478102.2, residues 17-37): PPRVRVFVVH[Ile27Val]PRLTGEWAAP